The following is an entry in ClinVar:

ClinVar aggregate classification (germline): Conflicting classifications of pathogenicity. Review status: criteria provided, conflicting classifications (1 of 4 stars). 10 submissions from 10 submitters: Uncertain significance (1); Benign (2); Likely benign (7). Last evaluated 2026-06-01.

Conditions:
Inborn genetic diseases. Identifiers: MedGen C0950123, MeSH D030342.
Progressive sclerosing poliodystrophy (MTDPS4A). Also called: Alpers Syndrome; ALPERS DIFFUSE DEGENERATION OF CEREBRAL GRAY MATTER WITH HEPATIC CIRRHOSIS; Alpers-Huttenlocher Syndrome; Mitochondrial DNA depletion syndrome 4A (Alpers type); Mitochondrial DNA Depletion Syndrome 4A; Alpers-Huttenlocher Syndrome (AHS). Identifiers: Orphanet 726, MedGen C0205710, MONDO:0008758, OMIM 203700.

Allele frequency attached by ClinVar (database versions not stated): 1000 Genomes Project 0.00080; ESP Exome Variant Server 0.00085; 1000 Genomes Project 30x 0.00094; TOPMed 0.00104.
gnomAD v4.1: 268 of 1,613,696 alleles (0.017%); highest among the groups gnomAD compares: African/African-American, 0.32%; 1 homozygote.

Submissions (10):

CeGaT Center for Human Genetics Tuebingen
Classification: Likely benign. Last evaluated: 2026-06-01. Review status: criteria provided, single submitter. Criteria: CeGaT Center For Human Genetics Tuebingen Variant Classification Criteria Version 2. Collection method: clinical testing. Allele origin: germline. Affected: yes. Observed: 2 variant alleles.
Comment: POLG: BP4, BP7

Labcorp Genetics (formerly Invitae), Labcorp
Classification: Likely benign for Progressive sclerosing poliodystrophy. Last evaluated: 2026-02-03. Review status: criteria provided, single submitter. Criteria: Invitae Variant Classification Sherloc (09022015). Collection method: clinical testing. Allele origin: germline.

Blueprint Genetics
Classification: Likely benign. Last evaluated: 2024-11-25. Review status: criteria provided, single submitter. Criteria: ACMG Guidelines, 2015. Collection method: clinical testing. Allele origin: germline.

Mayo Clinic Laboratories, Mayo Clinic
Classification: Likely benign. Last evaluated: 2023-04-19. Review status: criteria provided, single submitter. Criteria: ACMG Guidelines, 2015. Collection method: clinical testing. Allele origin: germline. Observed: 6 variant alleles.
Comment: BP4, BP7

Athena Diagnostics
Classification: Likely benign. Last evaluated: 2020-03-26. Review status: criteria provided, single submitter. Criteria: Athena Diagnostics Criteria. Collection method: clinical testing. Allele origin: unknown.

Wong Mito Lab, Molecular and Human Genetics, Baylor College of Medicine
Classification: Likely benign for Progressive sclerosing poliodystrophy. Last evaluated: 2018-10-01. Review status: criteria provided, single submitter. Criteria: ACMG Guidelines, 2015. Collection method: clinical testing. Allele origin: germline.
Comment: The NM_002693.2:c.3700C>A (NP_002684.1:p.Arg1234=) [GRCH38: NC_000015.10:g.89316771G>T] variant in FANCI gene is interpretated to be a Likely Benign based on ACMG guidelines (PMID: 25741868). This variant meets the following evidence codes reported in the ACMG-guideline. BP4:Computational evidence/predictors indicate no impact on the FANCI structure, function, or protein-protein interaction. BP7:The variant is silent with non predicted splice impact. Based on the evidence criteria codes applied, the variant is suggested to be Likely Benign.

Ambry Genetics
Classification: Likely benign for Inborn genetic diseases. Last evaluated: 2018-05-23. Review status: criteria provided, single submitter. Criteria: Ambry Variant Classification Scheme 2023. Collection method: clinical testing. Allele origin: germline.

Eurofins Ntd Llc (ga)
Classification: Benign. Last evaluated: 2015-07-23. Review status: criteria provided, single submitter. Criteria: EGL Classification Definitions 2015. Collection method: clinical testing. Allele origin: germline. Observed: 1 variant allele, 1 heterozygote.

Genetic Services Laboratory, University of Chicago
Classification: Uncertain significance. Last evaluated: 2015-05-26. Review status: criteria provided, single submitter. Criteria: ACMG Guidelines, 2015. Collection method: clinical testing. Allele origin: germline.

GeneDx
Classification: Benign. Last evaluated: 2014-03-12. Review status: criteria provided, single submitter. Criteria: GeneDx Variant Classification (06012015). Collection method: clinical testing. Allele origin: germline. Affected: yes.
Comment: This variant is considered likely benign or benign based on one or more of the following criteria: it is a conservative change, it occurs at a poorly conserved position in the protein, it is predicted to be benign by multiple in silico algorithms, and/or has population frequency not consistent with disease.

NM_002693.3(POLG):c.3700C>A (p.Arg1234=)

Genes: FANCI (FA complementation group I; plus strand), POLG (DNA polymerase gamma, catalytic subunit; minus strand). Cytogenetic location: 15q26.1.
Variant type: single nucleotide variant.
Coding change: c.3700C>A on transcript NM_002693.3 (MANE Select); coding-DNA position 3700, C replaced by A.
Protein change: p.Arg1234=; no amino-acid change (arginine 1234 retained).
Molecular consequence: synonymous variant. On other transcripts: 3 prime UTR variant (4).
Genome position (GRCh38, 1-based): chr15:89,316,771, G>T on the plus strand (C>A on the coding strand, the complement: POLG is on the minus strand). VCF-style: chr15-89316771-G-T. GRCh37 (hg19) VCF-style: chr15-89860002-G-T.
Other names: p.R1234R:CGA>AGA; p.Arg1234=; c.3700C>A, p.Arg1234= (NM_001126131.2); c.*312G>T (NM_001113378.2, NM_001376910.1, NM_001376911.1 and 1 more transcripts).
Identifiers: ClinVar variation 138767 (VCV000138767.34), dbSNP rs144346886, ClinGen allele CA292858.